The following is an entry in ClinVar:

NM_020638.3(FGF23):c.515C>T (p.Pro172Leu)

Gene: FGF23 (fibroblast growth factor 23; minus strand). Cytogenetic location: 12p13.32.
Variant type: single nucleotide variant.
Coding change: c.515C>T on transcript NM_020638.3 (MANE Select); coding-DNA position 515, C replaced by T.
Protein change: p.Pro172Leu; replaces proline 172 with leucine.
Molecular consequence: missense variant.
Genome position (GRCh38, 1-based): chr12:4,370,584, G>A on the plus strand (C>T on the coding strand, the complement: FGF23 is on the minus strand). VCF-style: chr12-4370584-G-A. GRCh37 (hg19) VCF-style: chr12-4479750-G-A.
Other names: short protein forms P172L.
Identifiers: ClinVar variation 308806 (VCV000308806.12), dbSNP rs573322878, ClinGen allele CA6395666.

ClinVar aggregate classification (germline): Conflicting classifications of pathogenicity. Review status: criteria provided, conflicting classifications (1 of 4 stars). 3 submissions from 2 submitters: Uncertain significance (2); Benign (1). Last evaluated 2025-02-26.

Conditions:
Autosomal dominant hypophosphatemic rickets (ADHR). Also called: HYPOPHOSPHATEMIA, AUTOSOMAL DOMINANT; VITAMIN D-RESISTANT RICKETS, AUTOSOMAL DOMINANT. Identifiers: Orphanet 89937, MedGen C0342642, MONDO:0008660, OMIM 193100.
Tumoral calcinosis, hyperphosphatemic, familial, 2. Identifiers: MedGen C4693863, MONDO:0060714, OMIM 617993.

Allele frequency attached by ClinVar (database versions not stated): gnomAD 0.00001 and 0.00007; TOPMed 0.00002; gnomAD exomes 0.00015 and 0.00022; 1000 Genomes Project 30x 0.00016; 1000 Genomes Project 0.00020; ExAC 0.00027.

Submissions (3):

Labcorp Genetics (formerly Invitae), Labcorp
Classification: Uncertain significance. Last evaluated: 2025-02-26. Review status: criteria provided, single submitter. Criteria: Invitae Variant Classification Sherloc (09022015). Collection method: clinical testing. Allele origin: germline.
Comment: This sequence change replaces proline, which is neutral and non-polar, with leucine, which is neutral and non-polar, at codon 172 of the FGF23 protein (p.Pro172Leu). This variant is present in population databases (rs573322878, gnomAD 0.2%). This variant has not been reported in the literature in individuals affected with FGF23-related conditions. ClinVar contains an entry for this variant (Variation ID: 308806). Invitae Evidence Modeling of protein sequence and biophysical properties (such as structural, functional, and spatial information, amino acid conservation, physicochemical variation, residue mobility, and thermodynamic stability) has been performed for this missense variant. However, the output from this modeling did not meet the statistical confidence thresholds required to predict the impact of this variant on FGF23 protein function. In summary, the available evidence is currently insufficient to determine the role of this variant in disease. Therefore, it has been classified as a Variant of Uncertain Significance.

Illumina Laboratory Services, Illumina
Classification: Uncertain significance for Tumoral calcinosis, hyperphosphatemic, familial, 2. Last evaluated: 2018-01-13. Review status: criteria provided, single submitter. Criteria: ICSL Variant Classification Criteria 13 December 2019. Collection method: clinical testing. Allele origin: germline.

Illumina Laboratory Services, Illumina
Classification: Benign for Autosomal dominant hypophosphatemic rickets. Last evaluated: 2018-01-13. Review status: criteria provided, single submitter. Criteria: ICSL Variant Classification Criteria 13 December 2019. Collection method: clinical testing. Allele origin: germline.
Comment: This variant was observed in the ICSL laboratory as part of a predisposition screen in an ostensibly healthy population. It had not been previously curated by ICSL or reported in the Human Gene Mutation Database (HGMD: prior to June 1st, 2018), and was therefore a candidate for classification through an automated scoring system. Utilizing variant allele frequency, disease prevalence and penetrance estimates, and inheritance mode, an automated score was calculated to assess if this variant is too frequent to cause the disease. Based on the score and internal cut-off values, a variant classified as benign is not then subjected to further curation. The score for this variant resulted in a classification of benign for this disease.